The following is an entry in ClinVar:

ClinVar aggregate classification (germline): Uncertain significance. Review status: criteria provided, multiple submitters, no conflicts (2 of 4 stars). 3 submissions from 3 submitters: Uncertain significance (3). Last evaluated 2022-06-13.

Conditions:
Retinitis pigmentosa (RP). Identifiers: Orphanet 791, MedGen C0035334, MeSH D012174, MONDO:0019200, OMIM 268000. Inheritance: Autosomal dominant, autosomal recessive and X linked inheritance.

Allele frequency attached by ClinVar (database versions not stated): gnomAD exomes 0.00001 and 0.00002; ExAC 0.00002; gnomAD 0.00003; TOPMed 0.00006.
gnomAD v4.1: 26 of 1,614,058 alleles (0.0016%); highest among the groups gnomAD compares: African/African-American, 0.016%; no homozygotes.

Submissions (3):

Labcorp Genetics (formerly Invitae), Labcorp
Classification: Uncertain significance. Last evaluated: 2022-06-13. Review status: criteria provided, single submitter. Criteria: Invitae Variant Classification Sherloc (09022015). Collection method: clinical testing. Allele origin: germline.
Comment: This variant is present in population databases (rs750768609, gnomAD 0.008%). In summary, the available evidence is currently insufficient to determine the role of this variant in disease. Therefore, it has been classified as a Variant of Uncertain Significance. Algorithms developed to predict the effect of missense changes on protein structure and function are either unavailable or do not agree on the potential impact of this missense change (SIFT: "Deleterious"; PolyPhen-2: "Not Available"; Align-GVGD: "Class C15"). ClinVar contains an entry for this variant (Variation ID: 301319). This variant has not been reported in the literature in individuals affected with RGR-related conditions. This sequence change replaces aspartic acid, which is acidic and polar, with asparagine, which is neutral and polar, at codon 154 of the RGR protein (p.Asp154Asn).

Blueprint Genetics
Classification: Uncertain significance. Last evaluated: 2022-06-02. Review status: criteria provided, single submitter. Criteria: ACMG Guidelines, 2015. Collection method: clinical testing. Allele origin: germline.

Illumina Laboratory Services, Illumina
Classification: Uncertain significance for Retinitis pigmentosa. Last evaluated: 2018-01-13. Review status: criteria provided, single submitter. Criteria: ICSL Variant Classification Criteria 13 December 2019. Collection method: clinical testing. Allele origin: germline.

NM_001012720.2(RGR):c.460G>A (p.Asp154Asn)

Gene: RGR (retinal G protein coupled receptor; plus strand). Cytogenetic location: 10q23.1.
Variant type: single nucleotide variant.
Coding change: c.460G>A on transcript NM_001012720.2 (MANE Select); coding-DNA position 460, G replaced by A.
Protein change: p.Asp154Asn; replaces aspartic acid 154 with asparagine.
Molecular consequence: missense variant.
Genome position (GRCh38, 1-based): chr10:84,252,958, G>A. VCF-style: chr10-84252958-G-A. GRCh37 (hg19) VCF-style: chr10-86012714-G-A.
Other names: c.460G>A, p.Asp154Asn (NM_001012722.2); c.472G>A, p.Asp158Asn (NM_002921.4); short protein forms D154N, D158N.
Identifiers: ClinVar variation 301319 (VCV000301319.12), dbSNP rs750768609, ClinGen allele CA5581447.